The following is an entry in ClinVar:

ClinVar aggregate classification (germline): Pathogenic (1 of 4 stars; one submission).

Conditions:
Mucolipidosis type II. Also called: ML II ALPHA/BETA; Mucolipidosis 2; ML 2; Inclusion cell disease; Leroy Disease; N-acetylglucosamine 1phosphotransferase deficiency. Identifiers: Orphanet 576, MedGen C2673377, MONDO:0009650, OMIM 252500.
Pseudo-Hurler polydystrophy. Also called: ML III; ML III ALPHA/BETA; Type III Mucolipidosis; ML IIIA; Mucolipidosis III Alpha/Beta; MUCOLIPIDOSIS IIIA. Identifiers: Orphanet 423461, Orphanet 577, MedGen C0033788, MONDO:0018931, OMIM 252600.

Submission:

Labcorp Genetics (formerly Invitae), Labcorp
Classification: Pathogenic for Pseudo-Hurler polydystrophy; Mucolipidosis type II. Last evaluated: 2022-12-22. Review status: criteria provided, single submitter. Criteria: Invitae Variant Classification Sherloc (09022015). Collection method: clinical testing. Allele origin: germline.
Comment: This sequence change creates a premature translational stop signal (p.Lys896Glufs*24) in the GNPTAB gene. It is expected to result in an absent or disrupted protein product. Loss-of-function variants in GNPTAB are known to be pathogenic (PMID: 19617216, 25107912). This variant is not present in population databases (gnomAD no frequency). This variant has not been reported in the literature in individuals affected with GNPTAB-related conditions. For these reasons, this variant has been classified as Pathogenic.

Literature cited by the submitters: PubMed 19617216; PubMed 25107912.

NM_024312.5(GNPTAB):c.2684dup (p.Lys896fs)

Gene: GNPTAB (N-acetylglucosamine-1-phosphate transferase subunits alpha and beta; minus strand). Cytogenetic location: 12q23.2.
Variant type: Duplication.
Coding change: c.2684dup on transcript NM_024312.5 (MANE Select); coding-DNA position 2684, one base duplicated (A; older notation c.2684dupA).
Protein change: p.Lys896fs; shifts the reading frame from lysine 896.
Molecular consequence: frameshift variant.
Genome position (GRCh38, 1-based): chr12:101,764,233, T duplicated on the plus strand (A on the coding strand, the reverse complement: GNPTAB is on the minus strand). VCF-style (leftmost placement, unchanged base first): chr12-101764232-C-CT. GRCh37 (hg19) VCF-style: chr12-102158010-C-CT.
Other names: short protein forms K896fs.
Identifiers: ClinVar variation 2942578 (VCV002942578.3), dbSNP rs2547956448, ClinGen allele CA2740092565.